The following is an entry in ClinVar:

ClinVar aggregate classification (germline): Uncertain significance. Review status: criteria provided, multiple submitters, no conflicts (2 of 4 stars). 2 submissions from 2 submitters: Uncertain significance (2). Last evaluated 2022-06-16.

Conditions:
Inborn genetic diseases. Identifiers: MedGen C0950123, MeSH D030342.
Congenital disorder of deglycosylation (CDDG). Identifiers: MedGen C3808991, MONDO:0031376.

Allele frequency attached by ClinVar (database versions not stated): gnomAD exomes below 0.00001; ExAC 0.00001; gnomAD 0.00001; 1000 Genomes Project 30x 0.00016; 1000 Genomes Project 0.00020.
gnomAD v4.1: 1 of 1,613,694 alleles (0.000062%); highest among the groups gnomAD compares: Admixed American, 0.0017%; no homozygotes.

Submissions (2):

Labcorp Genetics (formerly Invitae), Labcorp
Classification: Uncertain significance for Congenital disorder of deglycosylation. Last evaluated: 2022-06-16. Review status: criteria provided, single submitter. Criteria: Invitae Variant Classification Sherloc (09022015). Collection method: clinical testing. Allele origin: germline.
Comment: This sequence change replaces glycine, which is neutral and non-polar, with serine, which is neutral and polar, at codon 561 of the NGLY1 protein (p.Gly561Ser). This variant is present in population databases (rs199719904, gnomAD 0.003%). This variant has not been reported in the literature in individuals affected with NGLY1-related conditions. ClinVar contains an entry for this variant (Variation ID: 1055747). Algorithms developed to predict the effect of missense changes on protein structure and function (SIFT, PolyPhen-2, Align-GVGD) all suggest that this variant is likely to be tolerated. In summary, the available evidence is currently insufficient to determine the role of this variant in disease. Therefore, it has been classified as a Variant of Uncertain Significance.

Ambry Genetics
Classification: Uncertain significance for Inborn genetic diseases. Last evaluated: 2022-01-04. Review status: criteria provided, single submitter. Criteria: Ambry Variant Classification Scheme 2023. Collection method: clinical testing. Allele origin: germline.

NM_018297.4(NGLY1):c.1681G>A (p.Gly561Ser)

Gene: NGLY1 (N-glycanase 1; minus strand). Cytogenetic location: 3p24.2.
Variant type: single nucleotide variant.
Coding change: c.1681G>A on transcript NM_018297.4 (MANE Select); coding-DNA position 1681, G replaced by A.
Protein change: p.Gly561Ser; replaces glycine 561 with serine.
Molecular consequence: missense variant. On other transcripts: intron variant (1).
Genome position (GRCh38, 1-based): chr3:25,720,122, C>T on the plus strand (G>A on the coding strand, the complement: NGLY1 is on the minus strand). VCF-style: chr3-25720122-C-T. GRCh37 (hg19) VCF-style: chr3-25761613-C-T.
Other names: c.1627G>A, p.Gly543Ser (NM_001145293.2); c.1555G>A, p.Gly519Ser (NM_001145294.2); c.1612-487G>A (NM_001145295.2); c.1681G>A (NM_018297.3); short protein forms G519S, G543S, G561S.
Identifiers: ClinVar variation 1055747 (VCV001055747.4), dbSNP rs199719904, ClinGen allele CA2289097.